The following is an entry in ClinVar:

ClinVar aggregate classification (germline): Pathogenic (1 of 4 stars; one submission).

Submission:

GeneDx
Classification: Pathogenic. Last evaluated: 2026-04-25. Review status: criteria provided, single submitter. Criteria: GeneDx Variant Classification Process June 2021. Collection method: clinical testing. Allele origin: germline.
Comment: Frameshift variant predicted to result in protein truncation or nonsense mediated decay in a gene for which loss of function is a known mechanism of disease; Not observed at significant frequency in large population cohorts (gnomAD); This variant is associated with the following publications: (PMID: 27519939, 27427187)

NM_000175.5(GPI):c.1238del (p.Gln413fs)

Gene: GPI (glucose-6-phosphate isomerase; plus strand). Cytogenetic location: 19q13.11.
Variant type: Deletion.
Coding change: c.1238del on transcript NM_000175.5 (MANE Select); coding-DNA position 1238, one base deleted (A; older notation c.1238delA).
Protein change: p.Gln413fs; shifts the reading frame from glutamine 413.
Molecular consequence: frameshift variant.
Genome position (GRCh38, 1-based): chr19:34,396,626, A deleted. VCF-style (leftmost placement, unchanged base first): chr19-34396625-CA-C. GRCh37 (hg19) VCF-style: chr19-34887530-CA-C.
Other names: c.1271del, p.Gln424fs (NM_001184722.1); c.1355del, p.Gln452fs (NM_001289789.1, NM_001440422.1); c.1154del, p.Gln385fs (NM_001289790.3); c.1238del, p.Gln413fs (NM_001329909.1, NM_001329910.1, NM_001329911.2); short protein forms Q385fs, Q413fs, Q424fs, Q452fs.
Identifiers: ClinVar variation 5037678 (VCV005037678.1).
Genomic context (GRCh38, chr19:34,396,625, plus strand): 5'-ACAGTGCCCTTCACAGGCACCAAGATGATACCCTGTGACTTCCTCATCCCGGTCCAGACC[CA>C]GCACCCCATACGGAAGGGTCTGCATCACAAGGTAAGAGCCCCCATCTGGCCCCATCTGGG-3'